The following is an entry in ClinVar:

ClinVar aggregate classification (germline): Pathogenic (1 of 4 stars; one submission).

Submission:

Mayo Clinic Laboratories, Mayo Clinic
Classification: Pathogenic. Last evaluated: 2022-12-08. Review status: criteria provided, single submitter. Criteria: ACMG Guidelines, 2015. Collection method: clinical testing. Allele origin: germline. Observed: 2 variant alleles.
Comment: PP1, PP4, PM2, PM3, PVS1

Literature cited by the submitters: PubMed 30899493; PubMed 34298071; PubMed 34819141.

NM_017866.6(TMEM70):c.141del (p.Pro48fs)

Gene: TMEM70 (transmembrane protein 70; plus strand). Cytogenetic location: 8q21.11.
Variant type: Deletion.
Coding change: c.141del on transcript NM_017866.6 (MANE Select); coding-DNA position 141, one base deleted (G; older notation c.141delG).
Protein change: p.Pro48fs; shifts the reading frame from proline 48.
Molecular consequence: frameshift variant. On other transcripts: non-coding transcript variant (1).
Genome position (GRCh38, 1-based): chr8:73,976,422, G deleted; the last of 4 consecutive G bases (chr8:73,976,419-73,976,422); deleting any one gives the same sequence. VCF-style (leftmost placement, unchanged base first): chr8-73976418-CG-C. GRCh37 (hg19) VCF-style: chr8-74888653-CG-C.
Other names: p.Pro48Argfs*2; c.141del, p.Pro48fs (NM_001040613.3); short protein forms P48fs.
Identifiers: ClinVar variation 2683619 (VCV002683619.1), dbSNP rs1815648647, ClinGen allele CA1793942824.